The following is an entry in ClinVar:

ClinVar aggregate classification (germline): Benign (0 of 4 stars; one submission).

Conditions:
HIVEP3-related disorder. Also called: HIVEP3-related condition.

Allele frequency attached by ClinVar (database versions not stated): gnomAD 0.04255; ESP Exome Variant Server 0.04275; TOPMed 0.04430; 1000 Genomes Project 0.04573; 1000 Genomes Project 30x 0.04731; ExAC 0.05048.

Submission:

PreventionGenetics, part of Exact Sciences
Classification: Benign for HIVEP3-related condition. Last evaluated: 2019-11-19. Review status: no assertion criteria provided. Collection method: clinical testing. Allele origin: germline.
Comment: This variant is classified as benign based on ACMG/AMP sequence variant interpretation guidelines (Richards et al. 2015 PMID: 25741868, with internal and published modifications).

NM_024503.5(HIVEP3):c.4722A>G (p.Ser1574=)

Gene: HIVEP3 (HIVEP zinc finger 3; minus strand). Cytogenetic location: 1p34.2.
Variant type: single nucleotide variant.
Coding change: c.4722A>G on transcript NM_024503.5 (MANE Select); coding-DNA position 4722, A replaced by G.
Protein change: p.Ser1574=; no amino-acid change (serine 1574 retained).
Molecular consequence: synonymous variant.
Genome position (GRCh38, 1-based): chr1:41,580,076, T>C on the plus strand (A>G on the coding strand, the complement: HIVEP3 is on the minus strand). VCF-style: chr1-41580076-T-C. GRCh37 (hg19) VCF-style: chr1-42045747-T-C.
Other names: c.4722A>G, p.Ser1574= (NM_001127714.3).
Identifiers: ClinVar variation 3056010 (VCV003056010.2), dbSNP rs35730380, ClinGen allele CA797647.
Genomic context (GRCh38, chr1:41,580,076, plus strand): 5'-CTGCAGTACCTTCTTTGAGTCCGTACCTTCTTGTGACTTGGCTGGTCTGGAGGACGTTTC[T>C]GACAGAGGCAGAGAGCTCGGAGGTGCCAAGGAGGGGAGATCAGGTTGTTCCTTGGAATCT-3'
Protein context (NP_078779.2, residues 1564-1584): SLAPPSSLPL[Ser1574=]ETSSRPAKSQ